The following is an entry in ClinVar:

ClinVar aggregate classification (germline): Uncertain significance. Review status: criteria provided, multiple submitters, no conflicts (2 of 4 stars). 2 submissions from 2 submitters: Uncertain significance (2). Last evaluated 2023-04-10.

Conditions:
Nephronophthisis. Also called: Juvenile Nephronophthisis. Identifiers: Orphanet 655, MedGen C0687120, MONDO:0019005, HP:0000090.

Allele frequency attached by ClinVar (database versions not stated): gnomAD 0.00002 and 0.00003; gnomAD exomes 0.00002 and 0.00004; TOPMed 0.00003; ExAC 0.00006; ESP Exome Variant Server 0.00015.

Submissions (2):

GeneDx
Classification: Uncertain significance. Last evaluated: 2023-04-10. Review status: criteria provided, single submitter. Criteria: GeneDx Variant Classification Process June 2021. Collection method: clinical testing. Allele origin: germline. Affected: yes.
Comment: In silico analysis supports that this missense variant does not alter protein structure/function; Has not been previously published as pathogenic or benign to our knowledge

Labcorp Genetics (formerly Invitae), Labcorp
Classification: Uncertain significance for Nephronophthisis. Last evaluated: 2022-10-24. Review status: criteria provided, single submitter. Criteria: Invitae Variant Classification Sherloc (09022015). Collection method: clinical testing. Allele origin: germline.
Comment: This sequence change replaces proline, which is neutral and non-polar, with arginine, which is basic and polar, at codon 241 of the NPHP3 protein (p.Pro241Arg). This variant is present in population databases (rs142933414, gnomAD 0.02%). This variant has not been reported in the literature in individuals affected with NPHP3-related conditions. ClinVar contains an entry for this variant (Variation ID: 1515974). Advanced modeling of protein sequence and biophysical properties (such as structural, functional, and spatial information, amino acid conservation, physicochemical variation, residue mobility, and thermodynamic stability) performed at Invitae indicates that this missense variant is not expected to disrupt NPHP3 protein function. In summary, the available evidence is currently insufficient to determine the role of this variant in disease. Therefore, it has been classified as a Variant of Uncertain Significance.

NM_153240.5(NPHP3):c.722C>G (p.Pro241Arg)

Genes: NPHP3 (nephrocystin 3; minus strand), NPHP3-ACAD11 (NPHP3-ACAD11 readthrough (NMD candidate); minus strand). Cytogenetic location: 3q22.1.
Variant type: single nucleotide variant.
Coding change: c.722C>G on transcript NM_153240.5 (MANE Select); coding-DNA position 722, C replaced by G.
Protein change: p.Pro241Arg; replaces proline 241 with arginine.
Molecular consequence: missense variant. On other transcripts: non-coding transcript variant (1).
Genome position (GRCh38, 1-based): chr3:132,716,858, G>C on the plus strand (C>G on the coding strand, the complement: NPHP3 is on the minus strand). VCF-style: chr3-132716858-G-C. GRCh37 (hg19) VCF-style: chr3-132435702-G-C.
Other names: c.722C>G (NM_153240.4); short protein forms P241R.
Identifiers: ClinVar variation 1515974 (VCV001515974.4), dbSNP rs142933414, ClinGen allele CA2622507.